The following is an entry in ClinVar:

ClinVar aggregate classification (germline): Uncertain significance (1 of 4 stars; one submission).

Conditions:
Central core myopathy (CMYO1A). Also called: Central core disease; Myopathy, central fibrillar; CONGENITAL MYOPATHY 1A, AUTOSOMAL DOMINANT, WITH SUSCEPTIBILITY TO MALIGNANT HYPERTHERMIA. Identifiers: Orphanet 597, MedGen C5830701, MONDO:0007294, OMIM 117000.

Submission:

Neuberg Centre For Genomic Medicine, NCGM
Classification: Uncertain significance for Central core myopathy. Review status: criteria provided, single submitter. Criteria: ACMG Guidelines, 2015. Collection method: clinical testing. Allele origin: germline. Affected: yes.
Comment: The missense variant p.L630V in RYR1 (NM_000540.3) has not been reported previously as a pathogenic variant nor as a benign variant, to our knowledge. The p.L630V variant is novel (not in any individuals) in gnomAD Exomes and is novel (not in any individuals) in 1000 Genomes. In silico tools predict the variant to be damaging and the residue is conserved across species. For these reasons, this variant has been classified as Uncertain Significance.

NM_000540.3(RYR1):c.1888C>G (p.Leu630Val)

Gene: RYR1 (ryanodine receptor 1; plus strand). Cytogenetic location: 19q13.2.
Variant type: single nucleotide variant.
Coding change: c.1888C>G on transcript NM_000540.3 (MANE Select); coding-DNA position 1888, C replaced by G.
Protein change: p.Leu630Val; replaces leucine 630 with valine.
Molecular consequence: missense variant.
Genome position (GRCh38, 1-based): chr19:38,457,593, C>G. VCF-style: chr19-38457593-C-G. GRCh37 (hg19) VCF-style: chr19-38948233-C-G.
Other names: c.1888C>G, p.Leu630Val (NM_001042723.2); short protein forms L630V.
Identifiers: ClinVar variation 1339209 (VCV001339209.2), dbSNP rs2145406736, ClinGen allele CA405694189.